The following is an entry in ClinVar:

ClinVar aggregate classification (germline): Conflicting classifications of pathogenicity. Review status: criteria provided, conflicting classifications (1 of 4 stars). 8 submissions from 8 submitters: Pathogenic (7); Uncertain significance (1). Last evaluated 2025-11-11.

Conditions:
Transcobalamin II deficiency (TCN2D). Also called: Transcolabamin II deficiency; TC II DEFICIENCY; TCN2 DEFICIENCY. Identifiers: Orphanet 859, MedGen C0342701, MONDO:0010149, OMIM 275350.
TCN2-related disorder. Also called: TCN2-related condition.
Inborn genetic diseases. Identifiers: MedGen C0950123, MeSH D030342.

Submissions (8):

Labcorp Genetics (formerly Invitae), Labcorp
Classification: Pathogenic for Transcobalamin II deficiency. Last evaluated: 2025-11-11. Review status: criteria provided, single submitter. Criteria: Invitae Variant Classification Sherloc (09022015). Collection method: clinical testing. Allele origin: germline.
Comment: This sequence change creates a premature translational stop signal (p.Leu166Profs*7) in the TCN2 gene. It is expected to result in an absent or disrupted protein product. Loss-of-function variants in TCN2 are known to be pathogenic (PMID: 7980584, 20352340). This variant is present in population databases (rs778381859, gnomAD 0.03%). This premature translational stop signal has been observed in individuals with transcobalamin deficiency (PMID: 20352340). For these reasons, this variant has been classified as Pathogenic.

GeneDx
Classification: Pathogenic. Last evaluated: 2025-08-01. Review status: criteria provided, single submitter. Criteria: GeneDx Variant Classification Process June 2021. Collection method: clinical testing. Allele origin: germline. Affected: yes.
Comment: Frameshift variant predicted to result in protein truncation or nonsense mediated decay in a gene for which loss of function is a known mechanism of disease; This variant is associated with the following publications: (PMID: 30041674, 20352340, 24305960, 32841161, 36717752, 7980584)

PreventionGenetics, part of Exact Sciences
Classification: Pathogenic for TCN2-related condition. Last evaluated: 2025-02-04. Review status: criteria provided, single submitter. Criteria: ACMG Guidelines, 2015. Collection method: clinical testing. Allele origin: germline.
Comment: The TCN2 c.497_498delTC variant is predicted to result in a frameshift and premature protein termination (p.Leu166Profs*7). This variant has been reported in the homozygous and compound heterozygous states in individuals with transcobalamin II deficiency (Schiff et al. 2010. PubMed ID: 20352340; Trakadis et al. 2013. PubMed ID: 24305960). This variant is reported in 0.028% of alleles in individuals of African descent in gnomAD. Frameshift variants in TCN2 are expected to be pathogenic. This variant is interpreted as pathogenic.

Blueprint Genetics
Classification: Pathogenic for TCN2-related disorders. Last evaluated: 2024-04-12. Review status: criteria provided, single submitter. Criteria: ACMG Guidelines, 2015. Collection method: clinical testing. Allele origin: germline. Affected: yes. Observed: 5 variant alleles.

Center for Genomics, Ann and Robert H. Lurie Children's Hospital of Chicago
Classification: Pathogenic for Transcobalamin II deficiency. Last evaluated: 2021-03-30. Review status: criteria provided, single submitter. Criteria: ACMG Guidelines, 2015. Collection method: clinical testing. Allele origin: germline.
Comment: TCN2 NM_000355.3 exon 4 p.Leu166Profs*7 (c.497_498del): This variant has been reported in the literature in at least 4 individuals with Transcobalamin II Deficiency; 3 of these individuals were homozygous, 1 was a compound heterozygote who was identified to have an additional likely disease causing variant in the TCN2 gene (Schiff 2010 PMID:20352340, Trakadis 2014 PMID:24305960). This variant is present in 0.2% (7/24962) of African alleles in the Genome Aggregation Database. Please note, disease causing variants may be present in control databases at low frequencies, reflective of the general population, carrier status and/or variable expressivity. This variant is present in ClinVar, with several labs classifying this variant as pathogenic or Likely Pathogenic (Variation ID:376919). Evolutionary conservation and computational predictive tools for this variant are limited or unavailable. This variant is a deletion of 2 nucleotides at position 497 which results in a premature stop codon 7 amino acids downstream from this location which is predicted to result in an absent or abnormal protein. Loss of function variants are a known mechanism of disease for this gene (Li 1994 PMID:7980584). In summary, this variant is classified as pathogenic.

Eurofins Ntd Llc (ga)
Classification: Pathogenic. Last evaluated: 2018-04-23. Review status: criteria provided, single submitter. Criteria: EGL ClinVar v180209 classification definitions. Collection method: clinical testing. Allele origin: germline. Observed: 1 variant allele, 1 heterozygote.

Center for Pediatric Genomic Medicine, Children's Mercy Hospital and Clinics
Classification: Pathogenic. Last evaluated: 2016-10-10. Review status: criteria provided, single submitter. Criteria: ACMG Guidelines, 2015. Collection method: clinical testing. Allele origin: germline.

Ambry Genetics
Classification: Uncertain significance for Hereditary disease. Last evaluated: 2015-02-05. Review status: criteria provided, single submitter. Criteria: ambry_reporting_categories_2017. Collection method: clinical testing. Allele origin: germline. Affected: yes. Observed: 1 heterozygote. Segregation with disease observed.
Comment: Lines of evidence used in support of classification: POSITIVE: Relevant Alteration(s) Detected

Literature cited by the submitters: PubMed 7980584 (cited by Labcorp Genetics (formerly Invitae), Labcorp); PubMed 20352340 (cited by Labcorp Genetics (formerly Invitae), Labcorp).

NM_000355.3(TCN2):c.497_498del (p.Leu166Profs)

Gene: TCN2 (transcobalamin 2; plus strand). Cytogenetic location: 22q12.2.
Variant type: Microsatellite.
Coding change: c.497_498del on transcript NM_000355.3; coding-DNA positions 497 to 498, 2 bases deleted (TC; older notation c.497_498delTC).
Protein change: p.Leu166Profs; shifts the reading frame from leucine 166.
Molecular consequence: frameshift variant (on NM_000355.4).
Genome position (GRCh38, 1-based): chr22:30,614,418-30,614,419, TC deleted; deleting any 2 consecutive bases within chr22:30,614,416-30,614,419 gives the same sequence; the c. name uses the placement nearest the transcript's 3' end. VCF-style (leftmost placement, unchanged base first): chr22-30614415-GTC-G. GRCh37 (hg19) VCF-style: chr22-31010402-GTC-G.
Other names: LRG_116:g.12243_12244TC[1]; c.497_498delTC (NM_000355.3); c.497_498del, p.Leu166fs (NM_000355.4); c.416_417del, p.Leu139fs (NM_001184726.2); short protein forms L166fs, L139fs.
Identifiers: ClinVar variation 376919 (VCV000376919.27), dbSNP rs778381859, ClinGen allele CA10184679.